The following is an entry in ClinVar:

ClinVar aggregate classification (germline): Likely pathogenic. Review status: criteria provided, multiple submitters, no conflicts (2 of 4 stars). 2 submissions from 2 submitters: Likely pathogenic (2). Last evaluated 2025-12-19.

Conditions:
Autosomal recessive limb-girdle muscular dystrophy type 2J (LGMDR10). Also called: Limb-girdle muscular dystrophy, type 2J; MUSCULAR DYSTROPHY, LIMB-GIRDLE, AUTOSOMAL RECESSIVE 10. Identifiers: Orphanet 140922, MedGen C1837342, MONDO:0012127, OMIM 608807.
Dilated cardiomyopathy 1G (CMD1G). Identifiers: Orphanet 154, MedGen C1858763, MONDO:0011400, OMIM 604145.
Cardiomyopathy (CMYO). Also called: Cardiomyopathies. Identifiers: Orphanet 167848, MedGen C0878544, MONDO:0004994, HP:0001638. Inheritance: Various modes of inheritance.

Allele frequency attached by ClinVar (database versions not stated): gnomAD exomes below 0.00001.
gnomAD v4.1: 1 of 1,613,752 alleles (0.000062%); highest among the groups gnomAD compares: Non-Finnish European, 0.000085%; no homozygotes.

Submissions (2):

Labcorp Genetics (formerly Invitae), Labcorp
Classification: Likely pathogenic for Dilated cardiomyopathy 1G; Autosomal recessive limb-girdle muscular dystrophy type 2J. Last evaluated: 2025-12-19. Review status: criteria provided, single submitter. Criteria: Invitae Variant Classification Sherloc (09022015). Collection method: clinical testing. Allele origin: germline.
Comment: This sequence change creates a premature translational stop signal (p.Trp1324*) in the TTN gene. While this is not anticipated to result in nonsense mediated decay, it is expected to create a truncated TTN protein. This variant is not present in population databases (gnomAD no frequency). This variant has not been observed in the literature in individuals with autosomal recessive TTN-related conditions. This variant has been reported in individual(s) with autosomal dominant dilated cardiomyopathy (internal data); however, the role of the variant in this condition is currently unclear. ClinVar contains an entry for this variant (Variation ID: 626465). This variant is located in the Z band of TTN (PMID: 25589632). Truncating variants in this region have been reported in individuals affected with autosomal recessive centronuclear myopathy (PMID: 33449170, internal data). Truncating variants in this region have also been identified in individuals affected with autosomal dominant dilated cardiomyopathy and/or cardio-related conditions (PMID: 27869827, 32964742, internal data). In summary, the currently available evidence indicates that the variant is pathogenic, but additional data are needed to prove that conclusively. Therefore, this variant has been classified as Likely Pathogenic.

CHEO Genetics Diagnostic Laboratory, Children's Hospital of Eastern Ontario
Classification: Likely pathogenic for Cardiomyopathy. Last evaluated: 2017-09-12. Review status: criteria provided, single submitter. Criteria: ACMG Guidelines, 2015. Collection method: clinical testing. Allele origin: germline. Study: Canadian Open Genetics Repository.

Literature cited by the submitters: PubMed 25589632 (cited by Labcorp Genetics (formerly Invitae), Labcorp); PubMed 33449170 (cited by Labcorp Genetics (formerly Invitae), Labcorp); PubMed 27869827 (cited by Labcorp Genetics (formerly Invitae), Labcorp); PubMed 32964742 (cited by Labcorp Genetics (formerly Invitae), Labcorp).

NM_001267550.2(TTN):c.3972G>A (p.Trp1324Ter)

Genes: TTN (titin; minus strand), LOC101927055 (uncharacterized LOC101927055; plus strand). Cytogenetic location: 2q31.2.
Variant type: single nucleotide variant.
Coding change: c.3972G>A on transcript NM_001267550.2 (MANE Select); coding-DNA position 3972, G replaced by A.
Protein change: p.Trp1324Ter; replaces tryptophan 1324 with a stop codon.
Molecular consequence: nonsense.
Genome position (GRCh38, 1-based): chr2:178,779,110, C>T on the plus strand (G>A on the coding strand, the complement: TTN is on the minus strand). VCF-style: chr2-178779110-C-T. GRCh37 (hg19) VCF-style: chr2-179643837-C-T.
Other names: c.3972G>A, p.Trp1324Ter (NM_001256850.1, NM_133378.4, NM_133379.5); c.3834G>A, p.Trp1278Ter (NM_003319.4, NM_133432.3, NM_133437.4); short protein forms W1324*, W1278*.
Identifiers: ClinVar variation 626465 (VCV000626465.7), dbSNP rs1561323791, ClinGen allele CA349475356.